The following is an entry in ClinVar:

ClinVar aggregate classification (germline): Uncertain significance (1 of 4 stars; one submission).

Submission:

GeneDx
Classification: Uncertain significance. Last evaluated: 2024-06-10. Review status: criteria provided, single submitter. Criteria: GeneDx Variant Classification Process June 2021. Collection method: clinical testing. Allele origin: germline. Affected: yes.
Comment: In silico analysis supports that this missense variant has a deleterious effect on protein structure/function; Has not been previously published as pathogenic or benign to our knowledge; Variants in candidate genes are classified as variants of uncertain significance in accordance with ACMG guidelines (PMID: 25741868)

NM_182699.4(DDX53):c.781G>A (p.Asp261Asn)

Genes: DDX53 (DEAD-box helicase 53; plus strand), PTCHD1-AS (PTCHD1 antisense RNA (head to head); minus strand). Cytogenetic location: Xp22.11.
Variant type: single nucleotide variant.
Coding change: c.781G>A on transcript NM_182699.4 (MANE Select); coding-DNA position 781, G replaced by A.
Protein change: p.Asp261Asn; replaces aspartic acid 261 with asparagine.
Molecular consequence: missense variant.
Genome position (GRCh38, 1-based): chrX:23,000,838, G>A. VCF-style: chrX-23000838-G-A. GRCh37 (hg19) VCF-style: chrX-23018955-G-A.
Other names: short protein forms D261N.
Identifiers: ClinVar variation 3573529 (VCV003573529.1).
Genomic context (GRCh38, chrX:23,000,838, plus strand): 5'-GGGATTGTAAAGCCAACGCCAATTCAGTCACAGGCATGGCCAATTATTCTACAAGGAATA[G>A]ATCTTATAGTAGTTGCACAAACCGGAACAGGGAAAACATTGTCCTATCTAATGCCTGGGT-3'
Protein context (NP_874358.2, residues 251-271): QAWPIILQGI[Asp261Asn]LIVVAQTGTG